The following is an entry in ClinVar:

ClinVar aggregate classification (germline): Uncertain significance. Review status: criteria provided, multiple submitters, no conflicts (2 of 4 stars). 3 submissions from 3 submitters: Uncertain significance (3). Last evaluated 2024-08-06.

Conditions:
Familial thoracic aortic aneurysm and aortic dissection (TAAD). Also called: Thoracic aortic aneurysms and dissections. Identifiers: Orphanet 91387, MedGen C4707243, MONDO:0019625.
Marfan syndrome (MFS). Also called: Marfan syndrome, classic; Marfan syndrome type 1; Marfan's syndrome; FBN1-Related Marfan Syndrome; MARFAN SYNDROME, TYPE I. Identifiers: Orphanet 284963, Orphanet 558, MedGen C0024796, MONDO:0007947, OMIM 154700.

gnomAD v4.1: 2 of 1,614,226 alleles (0.00012%); highest among the groups gnomAD compares: Non-Finnish European, 0.00017%; no homozygotes.

Submissions (3):

All of Us Research Program, National Institutes of Health
Classification: Uncertain significance for Marfan syndrome. Last evaluated: 2024-08-06. Review status: criteria provided, single submitter. Criteria: ACMG Guidelines, 2015. Collection method: clinical testing. Allele origin: germline. Inheritance: Autosomal dominant inheritance. Observed: 1 variant allele, 1 heterozygote.
Comment: This missense variant replaces glutamic acid with glutamine at codon 682 of the FBN1 protein. Computational prediction tool suggests that this variant may not impact protein structure and function (internally defined REVEL score threshold <=0.5, PMID: 27666373). Splice site prediction tools suggest that this variant may not impact RNA splicing. To our knowledge, functional studies have not been performed for this variant. This variant has not been reported in individuals affected with cardiovascular disorders in the literature. This variant has not been identified in the general population by the Genome Aggregation Database (gnomAD). The available evidence is insufficient to determine the role of this variant in disease conclusively. Therefore, this variant is classified as a Variant of Uncertain Significance.

This study involves interpretation of variants in research participants for the purpose of population health screening. Participant phenotype was not available at the time of variant classification. Additional details can be found in publication PMID: 35346344, PMCID: PMC8962531

Color Diagnostics, LLC DBA Color Health
Classification: Uncertain significance for Familial thoracic aortic aneurysm and aortic dissection. Last evaluated: 2024-03-06. Review status: criteria provided, single submitter. Criteria: ACMG Guidelines, 2015. Collection method: clinical testing. Allele origin: germline.
Comment: This missense variant replaces glutamic acid with glutamine at codon 682 of the FBN1 protein. Computational prediction tool suggests that this variant may not impact protein structure and function (internally defined REVEL score threshold <=0.5, PMID: 27666373). Splice site prediction tools suggest that this variant may not impact RNA splicing. To our knowledge, functional studies have not been performed for this variant. This variant has not been reported in individuals affected with cardiovascular disorders in the literature. This variant has not been identified in the general population by the Genome Aggregation Database (gnomAD). The available evidence is insufficient to determine the role of this variant in disease conclusively. Therefore, this variant is classified as a Variant of Uncertain Significance.

Labcorp Genetics (formerly Invitae), Labcorp
Classification: Uncertain significance for Marfan syndrome; Familial thoracic aortic aneurysm and aortic dissection. Last evaluated: 2022-08-07. Review status: criteria provided, single submitter. Criteria: Invitae Variant Classification Sherloc (09022015). Collection method: clinical testing. Allele origin: germline.
Comment: In summary, the available evidence is currently insufficient to determine the role of this variant in disease. Therefore, it has been classified as a Variant of Uncertain Significance. Algorithms developed to predict the effect of missense changes on protein structure and function are either unavailable or do not agree on the potential impact of this missense change (SIFT: "Tolerated"; PolyPhen-2: "Probably Damaging"; Align-GVGD: "Class C0"). ClinVar contains an entry for this variant (Variation ID: 927916). This variant has not been reported in the literature in individuals affected with FBN1-related conditions. This variant is not present in population databases (gnomAD no frequency). This sequence change replaces glutamic acid, which is acidic and polar, with glutamine, which is neutral and polar, at codon 682 of the FBN1 protein (p.Glu682Gln).

NM_000138.5(FBN1):c.2044G>C (p.Glu682Gln)

Gene: FBN1 (fibrillin 1; minus strand). Cytogenetic location: 15q21.1.
Variant type: single nucleotide variant.
Coding change: c.2044G>C on transcript NM_000138.5 (MANE Select); coding-DNA position 2044, G replaced by C.
Protein change: p.Glu682Gln; replaces glutamic acid 682 with glutamine.
Molecular consequence: missense variant.
Genome position (GRCh38, 1-based): chr15:48,503,856, C>G on the plus strand (G>C on the coding strand, the complement: FBN1 is on the minus strand). VCF-style: chr15-48503856-C-G. GRCh37 (hg19) VCF-style: chr15-48796053-C-G.
Other names: short protein forms E682Q.
Identifiers: ClinVar variation 927916 (VCV000927916.13), dbSNP rs908212152, ClinGen allele CA269548980.